The following is an entry in ClinVar:

NM_001126108.2(SLC12A3):c.*205A>G

Genes: SLC12A3 (solute carrier family 12 member 3; plus strand), LOC126862361 (CDK7 strongly-dependent group 2 enhancer GRCh37_chr16:56946332-56947531; plus strand). Cytogenetic location: 16q13.
Variant type: single nucleotide variant.
Coding change: c.*205A>G on transcript NM_001126108.2 (MANE Select); 205 bases downstream of the stop codon, A replaced by G.
Molecular consequence: 3 prime UTR variant.
Genome position (GRCh38, 1-based): chr16:56,913,610, A>G. VCF-style: chr16-56913610-A-G. GRCh37 (hg19) VCF-style: chr16-56947522-A-G.
Other names: c.*205A>G (NM_000339.3, NM_001126107.2).
Identifiers: ClinVar variation 319924 (VCV000319924.11), dbSNP rs5805, ClinGen allele CA10638064.

ClinVar aggregate classification (germline): Benign. Review status: criteria provided, multiple submitters, no conflicts (2 of 4 stars). 4 submissions from 4 submitters: Benign (4). Last evaluated 2021-07-15.

Conditions:
Familial hypokalemia-hypomagnesemia (GTLMNS). Also called: gitelman syndrome; HYPOMAGNESEMIA-HYPOKALEMIA, PRIMARY RENOTUBULAR, WITH HYPOCALCIURIA; POTASSIUM AND MAGNESIUM DEPLETION. Identifiers: Orphanet 358, MedGen C0268450, MONDO:0009904, OMIM 263800.

Allele frequency attached by ClinVar (database versions not stated): gnomAD exomes 0.54366; 1000 Genomes Project 0.59125; 1000 Genomes Project 30x 0.59900; gnomAD 0.62093 and 0.63172; TOPMed 0.62283.
gnomAD v4.1: 355,896 of 632,332 alleles (56%); highest among the groups gnomAD compares: African/African-American, 82%; 103,126 homozygotes.

Submissions (4):

Genome-Nilou Lab
Classification: Benign for Familial hypokalemia-hypomagnesemia. Last evaluated: 2021-07-15. Review status: criteria provided, single submitter. Criteria: ACMG Guidelines, 2015. Collection method: clinical testing. Allele origin: germline. Affected: no.

GeneDx
Classification: Benign. Last evaluated: 2019-08-06. Review status: criteria provided, single submitter. Criteria: GeneDx Variant Classification Process June 2021. Collection method: clinical testing. Allele origin: germline. Affected: yes.

Illumina Laboratory Services, Illumina
Classification: Benign for Familial hypokalemia-hypomagnesemia. Last evaluated: 2018-01-13. Review status: criteria provided, single submitter. Criteria: ICSL Variant Classification Criteria 13 December 2019. Collection method: clinical testing. Allele origin: germline.
Comment: This variant was observed in the ICSL laboratory as part of a predisposition screen in an ostensibly healthy population. It had not been previously curated by ICSL or reported in the Human Gene Mutation Database (HGMD: prior to June 1st, 2018), and was therefore a candidate for classification through an automated scoring system. Utilizing variant allele frequency, disease prevalence and penetrance estimates, and inheritance mode, an automated score was calculated to assess if this variant is too frequent to cause the disease. Based on the score and internal cut-off values, a variant classified as benign is not then subjected to further curation. The score for this variant resulted in a classification of benign for this disease.

Breakthrough Genomics
Classification: Benign. Review status: criteria provided, single submitter. Criteria: ACMG Guidelines, 2015. Collection method: not provided. Allele origin: germline. Inheritance: Autosomal recessive inheritance. Affected: yes.